The following is an entry in ClinVar:

NM_001458.5(FLNC):c.3065A>C (p.Glu1022Ala)

Gene: FLNC (filamin C; plus strand). Cytogenetic location: 7q32.1.
Variant type: single nucleotide variant.
Coding change: c.3065A>C on transcript NM_001458.5 (MANE Select); coding-DNA position 3065, A replaced by C.
Protein change: p.Glu1022Ala; replaces glutamic acid 1022 with alanine.
Molecular consequence: missense variant.
Genome position (GRCh38, 1-based): chr7:128,844,139, A>C. VCF-style: chr7-128844139-A-C. GRCh37 (hg19) VCF-style: chr7-128484193-A-C.
Other names: c.3065A>C, p.Glu1022Ala (NM_001127487.2); short protein forms E1022A.
Identifiers: ClinVar variation 862195 (VCV000862195.10), dbSNP rs1808455747, ClinGen allele CA369194171.

ClinVar aggregate classification (germline): Uncertain significance (1 of 4 stars; one submission).

Conditions:
Myofibrillar myopathy 5. Also called: FILAMINOPATHY, AUTOSOMAL DOMINANT; Filaminopathy (type). Identifiers: Orphanet 171445, MedGen C1836050, MONDO:0012289, OMIM 609524.
Distal myopathy with posterior leg and anterior hand involvement. Also called: WILLIAMS DISTAL MYOPATHY. Identifiers: Orphanet 63273, MedGen C3279722, MONDO:0013550, OMIM 614065.
Hypertrophic cardiomyopathy 26. Also called: Cardiomyopathy, familial hypertrophic, 26. Identifiers: Orphanet 75249, MedGen C4310749, MONDO:0014883, OMIM 617047.

Submission:

Labcorp Genetics (formerly Invitae), Labcorp
Classification: Uncertain significance for Distal myopathy with posterior leg and anterior hand involvement; Myofibrillar myopathy 5; Hypertrophic cardiomyopathy 26. Last evaluated: 2022-07-12. Review status: criteria provided, single submitter. Criteria: Invitae Variant Classification Sherloc (09022015). Collection method: clinical testing. Allele origin: germline.
Comment: This variant has not been reported in the literature in individuals affected with FLNC-related conditions. This sequence change replaces glutamic acid, which is acidic and polar, with alanine, which is neutral and non-polar, at codon 1022 of the FLNC protein (p.Glu1022Ala). This variant is not present in population databases (gnomAD no frequency). ClinVar contains an entry for this variant (Variation ID: 862195). Algorithms developed to predict the effect of missense changes on protein structure and function (SIFT, PolyPhen-2, Align-GVGD) all suggest that this variant is likely to be tolerated. In summary, the available evidence is currently insufficient to determine the role of this variant in disease. Therefore, it has been classified as a Variant of Uncertain Significance.